The following is an entry in ClinVar:

NM_021072.4(HCN1):c.2499C>A (p.Ser833Arg)

Gene: HCN1 (hyperpolarization activated cyclic nucleotide gated potassium channel 1; minus strand). Cytogenetic location: 5p12.
Variant type: single nucleotide variant.
Coding change: c.2499C>A on transcript NM_021072.4 (MANE Select); coding-DNA position 2499, C replaced by A.
Protein change: p.Ser833Arg; replaces serine 833 with arginine.
Molecular consequence: missense variant.
Genome position (GRCh38, 1-based): chr5:45,262,095, G>T on the plus strand (C>A on the coding strand, the complement: HCN1 is on the minus strand). VCF-style: chr5-45262095-G-T. GRCh37 (hg19) VCF-style: chr5-45262197-G-T.
Other names: short protein forms S833R.
Identifiers: ClinVar variation 2833256 (VCV002833256.10), dbSNP rs767166082, ClinGen allele CA3259097.

ClinVar aggregate classification (germline): Uncertain significance. Review status: criteria provided, multiple submitters, no conflicts (2 of 4 stars). 2 submissions from 2 submitters: Uncertain significance (2). Last evaluated 2025-04-01.

Conditions:
Early-infantile DEE. Also called: Early infantile epileptic encephalopathy with suppression bursts; Early infantile epileptic encephalopathy; Ohtahara syndrome. Identifiers: Orphanet 1934, MedGen C0393706, MONDO:0800491.

Allele frequency attached by ClinVar (database versions not stated): ExAC 0.00001.
gnomAD v4.1: 1 of 1,612,858 alleles (0.000062%); highest among the groups gnomAD compares: Non-Finnish European, 0.000085%; no homozygotes.

Submissions (2):

CeGaT Center for Human Genetics Tuebingen
Classification: Uncertain significance. Last evaluated: 2025-04-01. Review status: criteria provided, single submitter. Criteria: CeGaT Center For Human Genetics Tuebingen Variant Classification Criteria Version 2. Collection method: clinical testing. Allele origin: germline. Affected: yes. Observed: 1 variant allele.
Comment: HCN1: PM2

Labcorp Genetics (formerly Invitae), Labcorp
Classification: Uncertain significance for Early-infantile DEE. Last evaluated: 2023-02-03. Review status: criteria provided, single submitter. Criteria: Invitae Variant Classification Sherloc (09022015). Collection method: clinical testing. Allele origin: germline.
Comment: This sequence change replaces serine, which is neutral and polar, with arginine, which is basic and polar, at codon 833 of the HCN1 protein (p.Ser833Arg). This variant is present in population databases (rs767166082, gnomAD 0.0009%). This variant has not been reported in the literature in individuals affected with HCN1-related conditions. Advanced modeling of protein sequence and biophysical properties (such as structural, functional, and spatial information, amino acid conservation, physicochemical variation, residue mobility, and thermodynamic stability) performed at Invitae indicates that this missense variant is not expected to disrupt HCN1 protein function. In summary, the available evidence is currently insufficient to determine the role of this variant in disease. Therefore, it has been classified as a Variant of Uncertain Significance.